The following is an entry in ClinVar:

NM_000540.3(RYR1):c.9796A>C (p.Met3266Leu)

Gene: RYR1 (ryanodine receptor 1; plus strand). Cytogenetic location: 19q13.2.
Variant type: single nucleotide variant.
Coding change: c.9796A>C on transcript NM_000540.3 (MANE Select); coding-DNA position 9796, A replaced by C.
Protein change: p.Met3266Leu; replaces methionine 3266 with leucine.
Molecular consequence: missense variant.
Genome position (GRCh38, 1-based): chr19:38,517,469, A>C. VCF-style: chr19-38517469-A-C. GRCh37 (hg19) VCF-style: chr19-39008109-A-C.
Other names: c.9796A>C, p.Met3266Leu (NM_001042723.2); short protein forms M3266L.
Identifiers: ClinVar variation 478302 (VCV000478302.60), dbSNP rs201588259, ClinGen allele CA074157.
Genomic context (GRCh38, chr19:38,517,469, plus strand): 5'-CTGGAGCGGCTCATGGCAGACATTGGGGGGCTGGCCGAGTCAGGTGCCCGCTACACAGAG[A>C]TGCCGCATGTCATCGAGATCACGCTGCCCATGCTATGCAGCTACCTGCCCCGATGGTGGG-3'
Protein context (NP_000531.2, residues 3256-3276): LAESGARYTE[Met3266Leu]PHVIEITLPM

ClinVar aggregate classification (germline): Conflicting classifications of pathogenicity. Review status: criteria provided, conflicting classifications (1 of 4 stars). 11 submissions from 11 submitters: Uncertain significance (9); Likely benign (2). Last evaluated 2026-06-03.

Conditions:
Central core myopathy (CMYO1A). Also called: CONGENITAL MYOPATHY 1A, AUTOSOMAL DOMINANT, WITH SUSCEPTIBILITY TO MALIGNANT HYPERTHERMIA; Central core disease; Myopathy, central fibrillar. Identifiers: Orphanet 597, MedGen C5830701, MONDO:0007294, OMIM 117000.
King Denborough syndrome (KDS). Identifiers: MedGen C1840365, MONDO:0020485, OMIM 619542.
RYR1-related myopathy. Identifiers: Orphanet 98742, MedGen CN305348, MONDO:0100150.
Malignant hyperthermia, susceptibility to, 1 (MHS1). Also called: Malignant hyperthermia suceptibility 1; Anesthesia related hyperthermia; Malignant hyperpyrexia; Fulminating hyperpyrexia; Pharmacogenic myopathy; RYR1-Related Malignant Hyperthermia Susceptibility. Identifiers: Orphanet 423, MedGen C2930980, MONDO:0007783, OMIM 145600.
Congenital myasthenic syndrome 12 (CMS12). Also called: Myasthenia, congenital, 12, with tubular aggregates; MYASTHENIC SYNDROME, CONGENITAL, WITH TUBULAR AGGREGATES 1. Identifiers: Orphanet 353327, Orphanet 590, MedGen C3552335, MONDO:0012518, OMIM 610542.
RYR1-related disorder. Also called: RYR1-related disorders; RYR1-related condition. Identifiers: MedGen CN239331.

Allele frequency attached by ClinVar (database versions not stated): ExAC 0.00008; ESP Exome Variant Server 0.00008; TOPMed 0.00013; gnomAD 0.00016.
gnomAD v4.1: 184 of 1,614,016 alleles (0.011%); highest among the groups gnomAD compares: Middle Eastern, 0.066%; no homozygotes.

Submissions (11):

Women's Health and Genetics/Laboratory Corporation of America, LabCorp
Classification: Uncertain significance. Last evaluated: 2026-06-03. Review status: criteria provided, single submitter. Criteria: LabCorp Variant Classification Summary - May 2015. Collection method: clinical testing. Allele origin: germline.
Comment: Variant summary: RYR1 c.9796A>C (p.Met3266Leu) results in a conservative amino acid change in the encoded protein sequence. Algorithms developed to predict the effect of missense changes on protein structure and function are either unavailable or do not agree on the potential impact of this missense change. The variant allele was found at a frequency of 0.00011 in 250522 control chromosomes (gnomAD). This frequency is not significantly higher than estimated for disease-causing variants in RYR1, allowing no conclusion about variant significance. c.9796A>C has been observed in individuals affected with RYR1-related conditions (e.g. Witting_2018, Janssens_2022, Dosi_2023). These reports do not provide unequivocal conclusions about association of the variant with disease. To our knowledge, no experimental evidence demonstrating an impact on protein function has been reported. The following publications have been ascertained in the context of this evaluation (PMID: 29635721, 36283893, 36833224). ClinVar contains an entry for this variant (Variation ID: 478302). Based on the evidence outlined above, the variant was classified as uncertain significance.

Institute of Immunology and Genetics Kaiserslautern
Classification: Uncertain significance for Central core myopathy; King Denborough syndrome. Last evaluated: 2025-10-07. Review status: criteria provided, single submitter. Criteria: ACMG Guidelines, 2015. Collection method: clinical testing. Allele origin: germline. Affected: yes.
Comment: ACMG Criteria: PM2_P; Variant was found in heterozygous state.

Revvity Omics, Revvity
Classification: Uncertain significance. Last evaluated: 2025-02-17. Review status: criteria provided, single submitter. Criteria: ACMG Guidelines, 2015. Collection method: clinical testing. Allele origin: germline.

Labcorp Genetics (formerly Invitae), Labcorp
Classification: Uncertain significance for RYR1-related disorder. Last evaluated: 2024-12-02. Review status: criteria provided, single submitter. Criteria: Invitae Variant Classification Sherloc (09022015). Collection method: clinical testing. Allele origin: germline.
Comment: This sequence change replaces methionine, which is neutral and non-polar, with leucine, which is neutral and non-polar, at codon 3266 of the RYR1 protein (p.Met3266Leu). This variant is present in population databases (rs201588259, gnomAD 0.02%). This missense change has been observed in individual(s) with clinical features of central core disease and/or myalgia and elevated creatine kinase levels (PMID: 29635721, 36283893). ClinVar contains an entry for this variant (Variation ID: 478302). Invitae Evidence Modeling of protein sequence and biophysical properties (such as structural, functional, and spatial information, amino acid conservation, physicochemical variation, residue mobility, and thermodynamic stability) indicates that this missense variant is not expected to disrupt RYR1 protein function with a negative predictive value of 80%. In summary, the available evidence is currently insufficient to determine the role of this variant in disease. Therefore, it has been classified as a Variant of Uncertain Significance.

Blueprint Genetics
Classification: Uncertain significance. Last evaluated: 2024-11-13. Review status: criteria provided, single submitter. Criteria: ACMG Guidelines, 2015. Collection method: clinical testing. Allele origin: germline.

All of Us Research Program, National Institutes of Health
Classification: Uncertain significance for Malignant hyperthermia, susceptibility to, 1. Last evaluated: 2024-08-23. Review status: criteria provided, single submitter. Criteria: ACMG Guidelines, 2015. Collection method: clinical testing. Allele origin: germline. Inheritance: Autosomal dominant inheritance. Observed: 51 variant alleles, 51 heterozygotes.
Comment: This missense variant replaces methionine with leucine at codon 3266 of the RYR1 protein. Computational prediction is inconclusive regarding the impact of this variant on protein structure and function (internally defined REVEL score threshold 0.5 < inconclusive < 0.7, PMID: 27666373). To our knowledge, functional studies have not been reported for this variant. This variant has been reported in two individuals affected with neuromuscular conditions, one individual was found to be malignant hyperthermia susceptible and one individual was found to be malignant hyperthermia normal (PMID: 29635721, 36283893). This variant has been identified in 33/281826 chromosomes in the general population by the Genome Aggregation Database (gnomAD). The available evidence is insufficient to determine the role of this variant in disease conclusively. Therefore, this variant is classified as a Variant of Uncertain Significance.

This study involves interpretation of variants in research participants for the purpose of population health screening. Participant phenotype was not available at the time of variant classification. Additional details can be found in publication PMID: 35346344, PMCID: PMC8962531

Color Diagnostics, LLC DBA Color Health
Classification: Uncertain significance for Malignant hyperthermia, susceptibility to, 1. Last evaluated: 2024-03-08. Review status: criteria provided, single submitter. Criteria: ACMG Guidelines, 2015. Collection method: clinical testing. Allele origin: germline.
Comment: This missense variant replaces methionine with leucine at codon 3266 of the RYR1 protein. Computational prediction is inconclusive regarding the impact of this variant on protein structure and function. To our knowledge, functional studies have not been reported for this variant. This variant has been reported in two individuals affected with neuromuscular conditions, one individual was found to be malignant hyperthermia susceptible and one individual was found to be malignant hyperthermia normal (PMID: 29635721, 36283893). This variant has been identified in 33/281826 chromosomes in the general population by the Genome Aggregation Database (gnomAD). The available evidence is insufficient to determine the role of this variant in disease conclusively. Therefore, this variant is classified as a Variant of Uncertain Significance.

CeGaT Center for Human Genetics Tuebingen
Classification: Likely benign. Last evaluated: 2024-03-01. Review status: criteria provided, single submitter. Criteria: CeGaT Center For Human Genetics Tuebingen Variant Classification Criteria Version 2. Collection method: clinical testing. Allele origin: germline. Affected: yes. Observed: 6 variant alleles.
Comment: RYR1: PP3, BS2

Molecular Genetics, Royal Melbourne Hospital
Classification: Uncertain significance for RYR1-related myopathy. Last evaluated: 2024-02-05. Review status: criteria provided, single submitter. Criteria: ACMG Guidelines, 2015. Collection method: clinical testing. Allele origin: germline. Inheritance: Autosomal recessive inheritance.
Comment: This sequence change in RYR1 is predicted to replace methionine with leucine at codon 3266, p.(Met3266Leu). The methionine residue is highly conserved (100 vertebrates, Multiz Alignments), and is located in exon 66 in the cytoplasmic domain. There is a small physicochemical difference between methionine and leucine. The highest population minor allele frequency in the population database gnomAD v4.0 is 0.01% (155/1,179,982 alleles) in the European (non-Finnish) population, which is consistent with recessive disease. This variant has been classified as likely benign or as a variant of uncertain significance (ClinVar ID: 478302). The variant has been detected in at least two individuals with malignant hyperthermia (MH) susceptibility and one individual MH negative by in vitro muscle contracture testing, with variable muscle disease features (PMID: 29635721, 36283893; Royal Melbourne Hospital). Computational evidence is uninformative for the missense substitution (REVEL = 0.55). Based on the classification scheme RMH ACMG Guidelines v1.6.1, this variant is classified as a VARIANT of UNCERTAIN SIGNIFICANCE. Following criteria is met: PM2_Supporting.

MGZ Medical Genetics Center
Classification: Uncertain significance for Congenital myasthenic syndrome 12. Last evaluated: 2022-02-25. Review status: criteria provided, single submitter. Criteria: ACMG Guidelines, 2015. Collection method: clinical testing. Allele origin: germline. Affected: yes. Observed: 1 variant allele.
Comment: ACMG criteria applied: PP3, BS1

GeneDx
Classification: Likely benign. Last evaluated: 2021-03-30. Review status: criteria provided, single submitter. Criteria: GeneDx Variant Classification Process June 2021. Collection method: clinical testing. Allele origin: germline. Affected: yes.
Comment: This variant is associated with the following publications: (PMID: 29635721)

Literature cited by the submitters: PubMed 29635721 (cited by 5 submitters); PubMed 36833224 (cited by Women's Health and Genetics/Laboratory Corporation of America, LabCorp); PubMed 36283893 (cited by 5 submitters).